The following is an entry in ClinVar:

ClinVar aggregate classification (germline): Pathogenic/Likely pathogenic. Review status: criteria provided, multiple submitters, no conflicts (2 of 4 stars). 2 submissions from 2 submitters: Pathogenic (1); Likely pathogenic (1). Last evaluated 2025-11-10.

Conditions:
Neuronal ceroid lipofuscinosis. Also called: Neuronal Ceroid Lipofuscinoses. Identifiers: Orphanet 216, Orphanet 79263, MedGen C0027877, MONDO:0016295. Disease mechanism: loss of function.
Neuronal ceroid lipofuscinosis 8 (CLN8). Also called: CLN8-Related Neuronal Ceroid-Lipofuscinosis. Identifiers: Orphanet 168491, Orphanet 228354, Orphanet 79264, MedGen C1838570, MONDO:0010830, OMIM 600143.

Allele frequency attached by ClinVar (database versions not stated): gnomAD 0.00001.
gnomAD v4.1: 3 of 1,613,938 alleles (0.00019%); highest among the groups gnomAD compares: Admixed American, 0.0033%; no homozygotes.

Submissions (2):

Natera, Inc.
Classification: Likely pathogenic for Neuronal ceroid lipofuscinosis 8. Last evaluated: 2025-11-10. Review status: criteria provided, single submitter. Criteria: Natera Variant Classification Schema (03/2026). Collection method: clinical testing. Allele origin: germline.
Comment: The c.29C>G variant in CLN8 is a nonsense variant predicted to introduce a stop codon at amino acid 10. This variant is expected to result in nonsense mediated decay, truncation, or a dysfunctional protein product. This variant is rare in the general population with a frequency below the threshold expected for the associated phenotype(s). Given the available evidence, this variant is classified as Likely Pathogenic.

Labcorp Genetics (formerly Invitae), Labcorp
Classification: Pathogenic for Neuronal ceroid lipofuscinosis. Last evaluated: 2025-09-25. Review status: criteria provided, single submitter. Criteria: Invitae Variant Classification Sherloc (09022015). Collection method: clinical testing. Allele origin: germline.
Comment: This sequence change creates a premature translational stop signal (p.Ser10*) in the CLN8 gene. It is expected to result in an absent or disrupted protein product. Loss-of-function variants in CLN8 are known to be pathogenic (PMID: 15024724). This variant is not present in population databases (gnomAD no frequency). This variant has not been reported in the literature in individuals affected with CLN8-related conditions. ClinVar contains an entry for this variant (Variation ID: 1389933). For these reasons, this variant has been classified as Pathogenic.

Literature cited by the submitters: PubMed 15024724 (cited by Labcorp Genetics (formerly Invitae), Labcorp).

NM_018941.4(CLN8):c.29C>G (p.Ser10Ter)

Gene: CLN8 (CLN8 transmembrane ER and ERGIC protein; plus strand). Cytogenetic location: 8p23.3.
Variant type: single nucleotide variant.
Coding change: c.29C>G on transcript NM_018941.4 (MANE Select); coding-DNA position 29, C replaced by G.
Protein change: p.Ser10Ter; replaces serine 10 with a stop codon.
Molecular consequence: nonsense.
Genome position (GRCh38, 1-based): chr8:1,771,083, C>G. VCF-style: chr8-1771083-C-G. GRCh37 (hg19) VCF-style: chr8-1719249-C-G.
Other names: c.29C>G (NM_018941.3); short protein forms S10*.
Identifiers: ClinVar variation 1389933 (VCV001389933.7), dbSNP rs1454175058, ClinGen allele CA369952735.